The following is an entry in ClinVar:

ClinVar aggregate classification (germline): Uncertain significance (1 of 4 stars; one submission).

Conditions:
Charcot-Marie-Tooth disease type 2. Also called: Charcot-Marie-Tooth type 2. Identifiers: Orphanet 64746, MedGen C0270914, MONDO:0018993.

gnomAD v4.1: 1 of 1,614,064 alleles (0.000062%); highest among the groups gnomAD compares: Non-Finnish European, 0.000085%; no homozygotes.

Submission:

Labcorp Genetics (formerly Invitae), Labcorp
Classification: Uncertain significance for Charcot-Marie-Tooth disease type 2. Last evaluated: 2022-05-01. Review status: criteria provided, single submitter. Criteria: Invitae Variant Classification Sherloc (09022015). Collection method: clinical testing. Allele origin: germline.
Comment: Algorithms developed to predict the effect of missense changes on protein structure and function (SIFT, PolyPhen-2, Align-GVGD) all suggest that this variant is likely to be tolerated. This sequence change replaces arginine, which is basic and polar, with leucine, which is neutral and non-polar, at codon 7 of the MFN2 protein (p.Arg7Leu). This variant is present in population databases (no rsID available, gnomAD 0.0009%). This variant has not been reported in the literature in individuals affected with MFN2-related conditions. Algorithms developed to predict the effect of sequence changes on RNA splicing suggest that this variant may create or strengthen a splice site. In summary, the available evidence is currently insufficient to determine the role of this variant in disease. Therefore, it has been classified as a Variant of Uncertain Significance.

NM_014874.4(MFN2):c.20G>T (p.Arg7Leu)

Gene: MFN2 (mitofusin 2; plus strand). Cytogenetic location: 1p36.22.
Variant type: single nucleotide variant.
Coding change: c.20G>T on transcript NM_014874.4 (MANE Select); coding-DNA position 20, G replaced by T.
Protein change: p.Arg7Leu; replaces arginine 7 with leucine.
Molecular consequence: missense variant.
Genome position (GRCh38, 1-based): chr1:11,989,188, G>T. VCF-style: chr1-11989188-G-T. GRCh37 (hg19) VCF-style: chr1-12049245-G-T.
Other names: c.20G>T, p.Arg7Leu (NM_001127660.2); short protein forms R7L.
Identifiers: ClinVar variation 2132515 (VCV002132515.4), dbSNP rs1296772735, ClinGen allele CA338459153.